The following is an entry in ClinVar:

ClinVar aggregate classification (germline): Uncertain significance (1 of 4 stars; one submission).

Conditions:
Evans syndrome, immunodeficiency, and premature immunosenescence associated with tripeptidyl-peptidase II deficiency. Identifiers: MedGen CN231723. Disease mechanism: loss of function.

Allele frequency attached by ClinVar (database versions not stated): ExAC 0.00001; gnomAD 0.00001; gnomAD exomes 0.00001 and 0.00002; TOPMed 0.00001.

Submission:

Labcorp Genetics (formerly Invitae), Labcorp
Classification: Uncertain significance for Evans syndrome, immunodeficiency, and premature immunosenescence associated with tripeptidyl-peptidase II deficiency. Last evaluated: 2022-02-04. Review status: criteria provided, single submitter. Criteria: Invitae Variant Classification Sherloc (09022015). Collection method: clinical testing. Allele origin: germline.
Comment: In summary, the available evidence is currently insufficient to determine the role of this variant in disease. Therefore, it has been classified as a Variant of Uncertain Significance. Algorithms developed to predict the effect of missense changes on protein structure and function (SIFT, PolyPhen-2, Align-GVGD) all suggest that this variant is likely to be tolerated. ClinVar contains an entry for this variant (Variation ID: 1011383). This variant has not been reported in the literature in individuals affected with TPP2-related conditions. This variant is present in population databases (rs760433686, gnomAD 0.009%). This sequence change replaces alanine, which is neutral and non-polar, with valine, which is neutral and non-polar, at codon 416 of the TPP2 protein (p.Ala416Val).

NM_001330588.2(TPP2):c.1247C>T (p.Ala416Val)

Gene: TPP2 (tripeptidyl peptidase 2; plus strand). Cytogenetic location: 13q33.1.
Variant type: single nucleotide variant.
Coding change: c.1247C>T on transcript NM_001330588.2 (MANE Select); coding-DNA position 1247, C replaced by T.
Protein change: p.Ala416Val; replaces alanine 416 with valine.
Molecular consequence: missense variant. On other transcripts: non-coding transcript variant (1).
Genome position (GRCh38, 1-based): chr13:102,633,952, C>T. VCF-style: chr13-102633952-C-T. GRCh37 (hg19) VCF-style: chr13-103286302-C-T.
Other names: c.1247C>T, p.Ala416Val (NM_001367947.1, NM_003291.4); short protein forms A416V.
Identifiers: ClinVar variation 1011383 (VCV001011383.6), dbSNP rs760433686, ClinGen allele CA7037706.